The following is an entry in ClinVar:

NM_153026.3(PRICKLE1):c.50A>C (p.Gln17Pro)

Gene: PRICKLE1 (prickle planar cell polarity protein 1; minus strand). Cytogenetic location: 12q12.
Variant type: single nucleotide variant.
Coding change: c.50A>C on transcript NM_153026.3 (MANE Select); coding-DNA position 50, A replaced by C.
Protein change: p.Gln17Pro; replaces glutamine 17 with proline.
Molecular consequence: missense variant.
Genome position (GRCh38, 1-based): chr12:42,472,467, T>G on the plus strand (A>C on the coding strand, the complement: PRICKLE1 is on the minus strand). VCF-style: chr12-42472467-T-G. GRCh37 (hg19) VCF-style: chr12-42866269-T-G.
Other names: c.50A>C, p.Gln17Pro (NM_001144881.2, NM_001144882.2, NM_001144883.2); c.50A>C (NM_153026.2); short protein forms Q17P.
Identifiers: ClinVar variation 1045923 (VCV001045923.9), dbSNP rs771838146, ClinGen allele CA6520002.
Genomic context (GRCh38, chr12:42,472,467, plus strand): 5'-GGGACCCAGGCGTACTCCTCCAATGCACAGCCAGAGTCATCATCTGATGTGGAACTTCTC[T>G]GACAGCCAAAGGCCAGTTTGCTCATCTTGGGCTCCATCTCCAAAGGCATAAAGTTTAAAG-3'
Protein context (NP_694571.2, residues 7-27): PKMSKLAFGC[Gln17Pro]RSSTSDDDSG

ClinVar aggregate classification (germline): Uncertain significance. Review status: criteria provided, multiple submitters, no conflicts (2 of 4 stars). 2 submissions from 2 submitters: Uncertain significance (2). Last evaluated 2024-10-01.

Conditions:
Epilepsy, progressive myoclonic, 1B. Also called: PME. Identifiers: Orphanet 308, MedGen C2676254, MONDO:0012904, OMIM 612437.

Allele frequency attached by ClinVar (database versions not stated): gnomAD 0.00001; gnomAD exomes 0.00001 and 0.00004; TOPMed 0.00002; ExAC 0.00005.
gnomAD v4.1: 14 of 1,614,076 alleles (0.00087%); highest among the groups gnomAD compares: East Asian, 0.031%; no homozygotes.

Submissions (2):

Ambry Genetics
Classification: Uncertain significance. Last evaluated: 2024-10-01. Review status: criteria provided, single submitter. Criteria: Ambry Variant Classification Scheme 2023. Collection method: clinical testing. Allele origin: germline.

Labcorp Genetics (formerly Invitae), Labcorp
Classification: Uncertain significance for Epilepsy, progressive myoclonic, 1B. Last evaluated: 2022-04-30. Review status: criteria provided, single submitter. Criteria: Invitae Variant Classification Sherloc (09022015). Collection method: clinical testing. Allele origin: germline.
Comment: In summary, the available evidence is currently insufficient to determine the role of this variant in disease. Therefore, it has been classified as a Variant of Uncertain Significance. Algorithms developed to predict the effect of missense changes on protein structure and function are either unavailable or do not agree on the potential impact of this missense change (SIFT: "Deleterious"; PolyPhen-2: "Probably Damaging"; Align-GVGD: "Class C0"). ClinVar contains an entry for this variant (Variation ID: 1045923). This variant has not been reported in the literature in individuals affected with PRICKLE1-related conditions. This variant is present in population databases (rs771838146, gnomAD 0.07%). This sequence change replaces glutamine, which is neutral and polar, with proline, which is neutral and non-polar, at codon 17 of the PRICKLE1 protein (p.Gln17Pro).